The following is an entry in ClinVar:

ClinVar aggregate classification (germline): Pathogenic/Likely pathogenic. Review status: criteria provided, multiple submitters, no conflicts (2 of 4 stars). 4 submissions from 4 submitters: Pathogenic (3); Likely pathogenic (1). Last evaluated 2024-10-22.

Conditions:
POLG-related disorder. Also called: POLG-Related Spectrum Disorders; POLG-related condition; POLG-Related Disorders. Identifiers: MedGen C4763519.
Progressive sclerosing poliodystrophy (MTDPS4A). Also called: Mitochondrial DNA depletion syndrome 4A (Alpers type); Mitochondrial DNA Depletion Syndrome 4A; Alpers Syndrome; ALPERS DIFFUSE DEGENERATION OF CEREBRAL GRAY MATTER WITH HEPATIC CIRRHOSIS; Alpers-Huttenlocher Syndrome; ALPERS PROGRESSIVE INFANTILE POLIODYSTROPHY. Identifiers: Orphanet 726, MedGen C0205710, MONDO:0008758, OMIM 203700.

Submissions (4):

Labcorp Genetics (formerly Invitae), Labcorp
Classification: Pathogenic for Progressive sclerosing poliodystrophy. Last evaluated: 2024-10-22. Review status: criteria provided, single submitter. Criteria: Invitae Variant Classification Sherloc (09022015). Collection method: clinical testing. Allele origin: germline.
Comment: This sequence change creates a premature translational stop signal (p.Ile744Thrfs*59) in the POLG gene. It is expected to result in an absent or disrupted protein product. Loss-of-function variants in POLG are known to be pathogenic (PMID: 18546365). This variant is present in population databases (no rsID available, gnomAD 0.007%). This variant has not been reported in the literature in individuals affected with POLG-related conditions. ClinVar contains an entry for this variant (Variation ID: 577990). For these reasons, this variant has been classified as Pathogenic.

Women's Health and Genetics/Laboratory Corporation of America, LabCorp
Classification: Pathogenic for POLG-related disorder. Last evaluated: 2024-03-18. Review status: criteria provided, single submitter. Criteria: LabCorp Variant Classification Summary - May 2015. Collection method: clinical testing. Allele origin: germline.
Comment: Variant summary: POLG c.2217_2230dup14 (p.Ile744ThrfsX59) results in a premature termination codon, predicted to cause a truncation of the encoded protein or absence of the protein due to nonsense mediated decay, which are commonly known mechanisms for disease. The variant was absent in 251342 control chromosomes (gnomAD). c.2217_2230dup14 has been reported in the literature in individual(s) affected with POLG-Related Spectrum Disorders (e.g. Davis_2022). To our knowledge, no experimental evidence demonstrating an impact on protein function has been reported. The following publication have been ascertained in the context of this evaluation (PMID: 35641312). ClinVar contains an entry for this variant (Variation ID: 577990). Based on the evidence outlined above, the variant was classified as pathogenic.

Revvity Omics, Revvity
Classification: Pathogenic. Last evaluated: 2023-11-10. Review status: criteria provided, single submitter. Criteria: ACMG Guidelines, 2015. Collection method: clinical testing. Allele origin: germline.

GeneDx
Classification: Likely pathogenic. Last evaluated: 2022-05-23. Review status: criteria provided, single submitter. Criteria: GeneDx Variant Classification Process June 2021. Collection method: clinical testing. Allele origin: germline. Affected: yes.
Comment: Frameshift variant predicted to result in protein truncation or nonsense mediated decay in a gene for which loss-of-function is a known mechanism of disease; Not observed at significant frequency in large population cohorts (gnomAD); Has not been previously published as pathogenic or benign to our knowledge

Literature cited by the submitters: PubMed 18546365 (cited by Labcorp Genetics (formerly Invitae), Labcorp); PubMed 35641312 (cited by Women's Health and Genetics/Laboratory Corporation of America, LabCorp).

NM_002693.3(POLG):c.2217_2230dup (p.Ile744fs)

Gene: POLG (DNA polymerase gamma, catalytic subunit; minus strand). Cytogenetic location: 15q26.1.
Variant type: Duplication.
Coding change: c.2217_2230dup on transcript NM_002693.3 (MANE Select); coding-DNA positions 2217 to 2230, 14 bases duplicated (CAACGACGTGGACA).
Protein change: p.Ile744fs; shifts the reading frame from isoleucine 744.
Molecular consequence: frameshift variant.
Genome position (GRCh38, 1-based): chr15:89,323,439-89,323,452, TGTCCACGTCGTTG duplicated on the plus strand (CAACGACGTGGACA on the coding strand, the reverse complement: POLG is on the minus strand); duplicating any 14 consecutive bases within chr15:89,323,439-89,323,453 gives the same sequence; the c. name uses the placement nearest the transcript's 3' end. VCF-style (leftmost placement, unchanged base first): chr15-89323438-A-ATGTCCACGTCGTTG. GRCh37 (hg19) VCF-style: chr15-89866669-A-ATGTCCACGTCGTTG.
Other names: c.2217_2230dupCAACGACGTGGACA (NM_002693.2); c.2217_2230dup14 (NM_002693.3); c.2217_2230dup, p.Ile744fs (NM_001126131.2); short protein forms I744fs.
Identifiers: ClinVar variation 577990 (VCV000577990.17), dbSNP rs1282521429, ClinGen allele CA619512956.